The following is an entry in ClinVar:

ClinVar aggregate classification (germline): Uncertain significance (1 of 4 stars; one submission).

Allele frequency attached by ClinVar (database versions not stated): gnomAD 0.00001; TOPMed below 0.00001 and 0.00001; gnomAD exomes 0.00002.

Submission:

GeneDx
Classification: Uncertain significance. Last evaluated: 2017-10-24. Review status: criteria provided, single submitter. Criteria: GeneDx Variant Classification (06012015). Collection method: clinical testing. Allele origin: germline. Affected: yes.
Comment: The L79F variant in the ACSL4 gene has not been reported previously as a pathogenic variant, nor asa benign variant, to our knowledge. The L79F variant is not observed at a significant frequency inlarge population cohorts (Lek et al., 2016). The L79F variant is a conservative amino acidsubstitution, which occurs at a position that is conserved across species. In silico analysis predicts thisvariant is probably damaging to the protein structure/function. We interpret L79F as a variant ofuncertain significance

NM_001318510.2(ACSL4):c.235C>T (p.Leu79Phe)

Gene: ACSL4 (acyl-CoA synthetase long chain family member 4; minus strand). Cytogenetic location: Xq23.
Variant type: single nucleotide variant.
Coding change: c.235C>T on transcript NM_001318510.2 (MANE Select); coding-DNA position 235, C replaced by T.
Protein change: p.Leu79Phe; replaces leucine 79 with phenylalanine.
Molecular consequence: missense variant.
Genome position (GRCh38, 1-based): chrX:109,682,890, G>A on the plus strand (C>T on the coding strand, the complement: ACSL4 is on the minus strand). VCF-style: chrX-109682890-G-A. GRCh37 (hg19) VCF-style: chrX-108926119-G-A.
Other names: c.358C>T, p.Leu120Phe (NM_001318509.2, NM_022977.3); c.235C>T, p.Leu79Phe (NM_004458.3); short protein forms L120F, L79F.
Identifiers: ClinVar variation 452736 (VCV000452736.2), dbSNP rs765735668, ClinGen allele CA334287171.